The following is an entry in ClinVar:

NM_001365536.1(SCN9A):c.853A>C (p.Thr285Pro)

Gene: SCN9A (sodium voltage-gated channel alpha subunit 9; minus strand). Cytogenetic location: 2q24.3.
Variant type: single nucleotide variant.
Coding change: c.853A>C on transcript NM_001365536.1 (MANE Select); coding-DNA position 853, A replaced by C.
Protein change: p.Thr285Pro; replaces threonine 285 with proline.
Molecular consequence: missense variant.
Genome position (GRCh38, 1-based): chr2:166,303,138, T>G on the plus strand (A>C on the coding strand, the complement: SCN9A is on the minus strand). VCF-style: chr2-166303138-T-G. GRCh37 (hg19) VCF-style: chr2-167159648-T-G.
Other names: c.853A>C, p.Thr285Pro (NM_002977.4); short protein forms T285P.
Identifiers: ClinVar variation 4783442 (VCV004783442.1).

ClinVar aggregate classification (germline): Uncertain significance (1 of 4 stars; one submission).

Conditions:
Neuropathy, hereditary sensory and autonomic, type 2A (HSAN2A). Also called: ACROOSTEOLYSIS, GIACCAI TYPE; ACROOSTEOLYSIS, NEUROGENIC; WNK1-Related HSAN2 (HSAN2A); NEUROPATHY, HEREDITARY SENSORY RADICULAR, AUTOSOMAL RECESSIVE; MORVAN DISEASE; NEUROPATHY, CONGENITAL SENSORY. Identifiers: Orphanet 970, MedGen C2752089, MONDO:0024309, OMIM 201300.
Generalized epilepsy with febrile seizures plus, type 7 (GEFSP7). Also called: GEFS+, TYPE 7. Identifiers: Orphanet 36387, MedGen C2751778, MONDO:0013470, OMIM 613863.

Submission:

Labcorp Genetics (formerly Invitae), Labcorp
Classification: Uncertain significance for Neuropathy, hereditary sensory and autonomic, type 2A; Generalized epilepsy with febrile seizures plus, type 7. Last evaluated: 2025-12-15. Review status: criteria provided, single submitter. Criteria: Invitae Variant Classification Sherloc (09022015). Collection method: clinical testing. Allele origin: germline.
Comment: This sequence change replaces threonine, which is neutral and polar, with proline, which is neutral and non-polar, at codon 285 of the SCN9A protein (p.Thr285Pro). This variant is not present in population databases (gnomAD no frequency). This variant has not been reported in the literature in individuals affected with SCN9A-related conditions. Invitae Evidence Modeling of protein sequence and biophysical properties (such as structural, functional, and spatial information, amino acid conservation, physicochemical variation, residue mobility, and thermodynamic stability) indicates that this missense variant is not expected to disrupt SCN9A protein function with a negative predictive value of 95%. In summary, the available evidence is currently insufficient to determine the role of this variant in disease. Therefore, it has been classified as a Variant of Uncertain Significance.